The following is an entry in ClinVar:

NM_020964.3(EPG5):c.6466G>A (p.Val2156Met)

Gene: EPG5 (ectopic P-granules 5 autophagy tethering factor; minus strand). Cytogenetic location: 18q12.3.
Variant type: single nucleotide variant.
Coding change: c.6466G>A on transcript NM_020964.3 (MANE Select); coding-DNA position 6466, G replaced by A.
Protein change: p.Val2156Met; replaces valine 2156 with methionine.
Molecular consequence: missense variant.
Genome position (GRCh38, 1-based): chr18:45,866,953, C>T on the plus strand (G>A on the coding strand, the complement: EPG5 is on the minus strand). VCF-style: chr18-45866953-C-T. GRCh37 (hg19) VCF-style: chr18-43446918-C-T.
Other names: c.6466G>A, p.Val2156Met (NM_001410858.1); c.6463G>A, p.Val2155Met (NM_001410859.1); short protein forms V2155M, V2156M.
Identifiers: ClinVar variation 4797722 (VCV004797722.1).

ClinVar aggregate classification (germline): Uncertain significance (1 of 4 stars; one submission).

Conditions:
Vici syndrome (VICIS). Identifiers: Orphanet 1493, MedGen C1855772, MONDO:0009452, OMIM 242840.

Submission:

Labcorp Genetics (formerly Invitae), Labcorp
Classification: Uncertain significance for Vici syndrome. Last evaluated: 2025-08-15. Review status: criteria provided, single submitter. Criteria: Invitae Variant Classification Sherloc (09022015). Collection method: clinical testing. Allele origin: germline.
Comment: This sequence change replaces valine, which is neutral and non-polar, with methionine, which is neutral and non-polar, at codon 2156 of the EPG5 protein (p.Val2156Met). This variant is not present in population databases (gnomAD no frequency). This variant has not been reported in the literature in individuals affected with EPG5-related conditions. Invitae Evidence Modeling of protein sequence and biophysical properties (such as structural, functional, and spatial information, amino acid conservation, physicochemical variation, residue mobility, and thermodynamic stability) indicates that this missense variant is not expected to disrupt EPG5 protein function with a negative predictive value of 80%. In summary, the available evidence is currently insufficient to determine the role of this variant in disease. Therefore, it has been classified as a Variant of Uncertain Significance.